The following is an entry in ClinVar:

NM_000540.3(RYR1):c.7844G>C (p.Arg2615Pro)

Gene: RYR1 (ryanodine receptor 1; plus strand). Cytogenetic location: 19q13.2.
Variant type: single nucleotide variant.
Coding change: c.7844G>C on transcript NM_000540.3 (MANE Select); coding-DNA position 7844, G replaced by C.
Protein change: p.Arg2615Pro; replaces arginine 2615 with proline.
Molecular consequence: missense variant.
Genome position (GRCh38, 1-based): chr19:38,502,888, G>C. VCF-style: chr19-38502888-G-C. GRCh37 (hg19) VCF-style: chr19-38993528-G-C.
Other names: c.7844G>C, p.Arg2615Pro (NM_001042723.2); short protein forms R2615P.
Identifiers: ClinVar variation 4757761 (VCV004757761.1).

ClinVar aggregate classification (germline): Uncertain significance (1 of 4 stars; one submission).

Conditions:
Malignant hyperthermia, susceptibility to, 1 (MHS1). Also called: RYR1-Related Malignant Hyperthermia Susceptibility; Malignant hyperthermia suceptibility 1; Anesthesia related hyperthermia; Malignant hyperpyrexia; Fulminating hyperpyrexia; Pharmacogenic myopathy. Identifiers: Orphanet 423, MedGen C2930980, MONDO:0007783, OMIM 145600.

gnomAD v4.1: 4 of 1,610,876 alleles (0.00025%); highest among the groups gnomAD compares: South Asian, 0.0022%; no homozygotes.

Submission:

Color Diagnostics, LLC DBA Color Health
Classification: Uncertain significance for Malignant hyperthermia, susceptibility to, 1. Last evaluated: 2025-08-07. Review status: criteria provided, single submitter. Criteria: ACMG Guidelines, 2015. Collection method: clinical testing. Allele origin: germline.
Comment: This missense variant replaces arginine with proline at codon 2615 of the RYR1 protein. Computational prediction suggests that this variant may have deleterious impact on protein structure and function. To our knowledge, functional studies have not been reported for this variant. This variant has not been reported in individuals affected with RYR1-related disorders in the literature. This variant has not been identified in the general population by the Genome Aggregation Database (gnomAD). The available evidence is insufficient to determine the role of this variant in disease conclusively. Therefore, this variant is classified as a Variant of Uncertain Significance.